The following is an entry in ClinVar:

NM_001267550.2(TTN):c.39080A>C (p.Lys13027Thr)

Gene: TTN (titin; minus strand). Cytogenetic location: 2q31.2.
Variant type: single nucleotide variant.
Coding change: c.39080A>C on transcript NM_001267550.2 (MANE Select); coding-DNA position 39080, A replaced by C.
Protein change: p.Lys13027Thr; replaces lysine 13027 with threonine.
Molecular consequence: missense variant. On other transcripts: intron variant (3).
Genome position (GRCh38, 1-based): chr2:178,652,505, T>G on the plus strand (A>C on the coding strand, the complement: TTN is on the minus strand). VCF-style: chr2-178652505-T-G. GRCh37 (hg19) VCF-style: chr2-179517232-T-G.
Other names: c.34559A>C, p.Lys11520Thr (NM_001256850.1); c.31778A>C, p.Lys10593Thr (NM_133378.4); c.13283-10188A>C (NM_003319.4); c.13859-10188A>C (NM_133437.4); c.13658-10188A>C (NM_133432.3); short protein forms K10593T, K11520T, K13027T.
Identifiers: ClinVar variation 1307334 (VCV001307334.2), dbSNP rs2154250775, ClinGen allele CA349462239.

ClinVar aggregate classification (germline): Uncertain significance (1 of 4 stars; one submission).

Submission:

GeneDx
Classification: Uncertain significance. Last evaluated: 2019-07-26. Review status: criteria provided, single submitter. Criteria: GeneDx Variant Classification Process June 2021. Collection method: clinical testing. Allele origin: germline. Affected: yes.
Comment: Not observed in large population cohorts (Lek et al., 2016); Missense variant in a gene in which most reported pathogenic variants are truncating/loss-of-function; Has not been previously published as pathogenic or benign to our knowledge; Not located in the A-band nor the M-line region of titin, where the majority of pathogenic truncating variants have been reported